The following is an entry in ClinVar:

ClinVar aggregate classification (germline): Uncertain significance. Review status: criteria provided, multiple submitters, no conflicts (2 of 4 stars). 2 submissions from 2 submitters: Uncertain significance (2). Last evaluated 2025-06-10.

Allele frequency attached by ClinVar (database versions not stated): gnomAD exomes below 0.00001; ExAC 0.00001; gnomAD 0.00001.

Submissions (2):

Ambry Genetics
Classification: Uncertain significance. Last evaluated: 2025-06-10. Review status: criteria provided, single submitter. Criteria: Ambry Variant Classification Scheme 2023. Collection method: clinical testing. Allele origin: germline.

Labcorp Genetics (formerly Invitae), Labcorp
Classification: Uncertain significance. Last evaluated: 2023-05-05. Review status: criteria provided, single submitter. Criteria: Invitae Variant Classification Sherloc (09022015). Collection method: clinical testing. Allele origin: germline.
Comment: An algorithm developed to predict the effect of missense changes on protein structure and function (PolyPhen-2) suggests that this variant is likely to be tolerated. In summary, the available evidence is currently insufficient to determine the role of this variant in disease. Therefore, it has been classified as a Variant of Uncertain Significance. This variant has not been reported in the literature in individuals affected with ZNF341-related conditions. This variant is present in population databases (rs774345813, gnomAD 0.003%). This sequence change replaces proline, which is neutral and non-polar, with leucine, which is neutral and non-polar, at codon 95 of the ZNF341 protein (p.Pro95Leu).

NM_001282933.2(ZNF341):c.284C>T (p.Pro95Leu)

Gene: ZNF341 (zinc finger protein 341; plus strand). Cytogenetic location: 20q11.22.
Variant type: single nucleotide variant.
Coding change: c.284C>T on transcript NM_001282933.2 (MANE Select); coding-DNA position 284, C replaced by T.
Protein change: p.Pro95Leu; replaces proline 95 with leucine.
Molecular consequence: missense variant. On other transcripts: non-coding transcript variant (1), intron variant (1).
Genome position (GRCh38, 1-based): chr20:33,745,244, C>T. VCF-style: chr20-33745244-C-T. GRCh37 (hg19) VCF-style: chr20-32333050-C-T.
Other names: c.284C>T (NM_032819.3); c.284C>T, p.Pro95Leu (NM_032819.5); c.70-3679C>T (NM_001282935.2); short protein forms P95L.
Identifiers: ClinVar variation 2784482 (VCV002784482.4), dbSNP rs774345813, ClinGen allele CA9819114.
Genomic context (GRCh38, chr20:33,745,244, plus strand): 5'-AGTGCCAGGGGAATGCCCCCGCCCTGGCCACAGTCTCACTGGCCACCAACAGCATCTACC[C>T]ACCTTCGGCAGCACCCACAGCGGTCCAGCAGGCCCCAACTCCTGCCAATCGCCAGGTATT-3'
Protein context (NP_001269862.1, residues 85-105): TVSLATNSIY[Pro95Leu]PSAAPTAVQQ